The following is an entry in ClinVar:

ClinVar aggregate classification (germline): Uncertain significance (1 of 4 stars; one submission).

Submission:

Ambry Genetics
Classification: Uncertain significance. Last evaluated: 2025-07-16. Review status: criteria provided, single submitter. Criteria: Ambry Variant Classification Scheme 2023. Collection method: clinical testing. Allele origin: germline.
Comment: The p.V71E variant (also known as c.212T>A), located in coding exon 2 of the GEN1 gene, results from a T to A substitution at nucleotide position 212. The valine at codon 71 is replaced by glutamic acid, an amino acid with dissimilar properties. This amino acid position is conserved. In addition, this alteration is predicted to be deleterious by in silico analysis. Based on the available evidence, the clinical significance of this variant remains unclear.

NM_001130009.3(GEN1):c.212T>A (p.Val71Glu)

Gene: GEN1 (GEN1 Holliday junction 5' flap endonuclease; plus strand). Cytogenetic location: 2p24.2.
Variant type: single nucleotide variant.
Coding change: c.212T>A on transcript NM_001130009.3 (MANE Select); coding-DNA position 212, T replaced by A.
Protein change: p.Val71Glu; replaces valine 71 with glutamic acid.
Molecular consequence: missense variant.
Genome position (GRCh38, 1-based): chr2:17,761,446, T>A. VCF-style: chr2-17761446-T-A. GRCh37 (hg19) VCF-style: chr2-17942713-T-A.
Other names: c.212T>A, p.Val71Glu (NM_182625.5); short protein forms V71E.
Identifiers: ClinVar variation 4263035 (VCV004263035.1).
Genomic context (GRCh38, chr2:17,761,446, plus strand): 5'-TATATTTCAGGAACTTATTTTTTCGTATCTCATATTTAACACAAATGGATGTAAAACTGG[T>A]ATTTGTTATGGAAGGGGAACCACCAAAGCTGAAAGCTGATGTCATAAGCAAGAGGAATCA-3'
Protein context (NP_001123481.3, residues 61-81): SYLTQMDVKL[Val71Glu]FVMEGEPPKL